The following is an entry in ClinVar:

NM_020822.3(KCNT1):c.85T>C (p.Phe29Leu)

Gene: KCNT1 (potassium sodium-activated channel subfamily T member 1; plus strand). Cytogenetic location: 9q34.3.
Variant type: single nucleotide variant.
Coding change: c.85T>C on transcript NM_020822.3 (MANE Select); coding-DNA position 85, T replaced by C.
Protein change: p.Phe29Leu; replaces phenylalanine 29 with leucine.
Molecular consequence: missense variant.
Genome position (GRCh38, 1-based): chr9:135,702,343, T>C. VCF-style: chr9-135702343-T-C. GRCh37 (hg19) VCF-style: chr9-138594189-T-C.
Other names: c.85T>C, p.Phe29Leu (NM_001272003.2); short protein forms F29L.
Identifiers: ClinVar variation 540597 (VCV000540597.9), dbSNP rs1406826181, ClinGen allele CA375492635.

ClinVar aggregate classification (germline): Uncertain significance (1 of 4 stars; one submission).

Conditions:
Autosomal dominant nocturnal frontal lobe epilepsy 5. Also called: Epilepsy, nocturnal frontal lobe, 5; KCNT1-Related Epilepsy; CILIARY DYSKINESIA, PRIMARY, 28, WITHOUT SITUS INVERSUS; CILIARY DYSKINESIA, PRIMARY, 28, WITH SITUS INVERSUS. Identifiers: Orphanet 98784, MedGen C3554306, MONDO:0014002, OMIM 615005.
Developmental and epileptic encephalopathy, 14 (DEE14). Also called: Early infantile epileptic encephalopathy 14. Identifiers: Orphanet 293181, MedGen C3554195, MONDO:0013989, OMIM 614959.

Allele frequency attached by ClinVar (database versions not stated): gnomAD exomes below 0.00001; gnomAD 0.00001; TOPMed 0.00002; 1000 Genomes Project 30x 0.00016.
gnomAD v4.1: 1 of 1,611,194 alleles (0.000062%); highest among the groups gnomAD compares: East Asian, 0.0022%; no homozygotes.

Submission:

Labcorp Genetics (formerly Invitae), Labcorp
Classification: Uncertain significance for Autosomal dominant nocturnal frontal lobe epilepsy 5; Developmental and epileptic encephalopathy, 14. Last evaluated: 2025-04-21. Review status: criteria provided, single submitter. Criteria: Invitae Variant Classification Sherloc (09022015). Collection method: clinical testing. Allele origin: germline.
Comment: This sequence change replaces phenylalanine, which is neutral and non-polar, with leucine, which is neutral and non-polar, at codon 29 of the KCNT1 protein (p.Phe29Leu). This variant is not present in population databases (gnomAD no frequency). This variant has not been reported in the literature in individuals affected with KCNT1-related conditions. ClinVar contains an entry for this variant (Variation ID: 540597). Invitae Evidence Modeling of protein sequence and biophysical properties (such as structural, functional, and spatial information, amino acid conservation, physicochemical variation, residue mobility, and thermodynamic stability) indicates that this missense variant is not expected to disrupt KCNT1 protein function with a negative predictive value of 95%. In summary, the available evidence is currently insufficient to determine the role of this variant in disease. Therefore, it has been classified as a Variant of Uncertain Significance.